The following is an entry in ClinVar:

ClinVar aggregate classification (germline): Uncertain significance. Review status: criteria provided, multiple submitters, no conflicts (2 of 4 stars). 2 submissions from 2 submitters: Uncertain significance (2). Last evaluated 2024-01-19.

Conditions:
Holoprosencephaly 5 (HPE5). Identifiers: Orphanet 2162, MedGen C1864827, MONDO:0012322, OMIM 609637.

gnomAD v4.1: 9 of 1,297,446 alleles (0.00069%); highest among the groups gnomAD compares: East Asian, 0.031%; no homozygotes.

Submissions (2):

Fulgent Genetics
Classification: Uncertain significance for Holoprosencephaly 5. Last evaluated: 2024-01-19. Review status: criteria provided, single submitter. Criteria: ACMG Guidelines, 2015. Collection method: clinical testing. Allele origin: germline.

Labcorp Genetics (formerly Invitae), Labcorp
Classification: Uncertain significance for Holoprosencephaly 5. Last evaluated: 2022-06-28. Review status: criteria provided, single submitter. Criteria: Invitae Variant Classification Sherloc (09022015). Collection method: clinical testing. Allele origin: germline.
Comment: This variant is not present in population databases (gnomAD no frequency). In summary, the available evidence is currently insufficient to determine the role of this variant in disease. Therefore, it has been classified as a Variant of Uncertain Significance. Algorithms developed to predict the effect of missense changes on protein structure and function are either unavailable or do not agree on the potential impact of this missense change (SIFT: "Tolerated"; PolyPhen-2: "Not Available"; Align-GVGD: "Class C0"). This variant has not been reported in the literature in individuals affected with ZIC2-related conditions. This sequence change replaces serine, which is neutral and polar, with arginine, which is basic and polar, at codon 521 of the ZIC2 protein (p.Ser521Arg).

NM_007129.5(ZIC2):c.1563C>A (p.Ser521Arg)

Gene: ZIC2 (Zic family zinc finger 2; plus strand). Cytogenetic location: 13q32.3.
Variant type: single nucleotide variant.
Coding change: c.1563C>A on transcript NM_007129.5 (MANE Select); coding-DNA position 1563, C replaced by A.
Protein change: p.Ser521Arg; replaces serine 521 with arginine.
Molecular consequence: missense variant.
Genome position (GRCh38, 1-based): chr13:99,985,646, C>A. VCF-style: chr13-99985646-C-A. GRCh37 (hg19) VCF-style: chr13-100637900-C-A.
Other names: short protein forms S521R.
Identifiers: ClinVar variation 1486345 (VCV001486345.7), dbSNP rs1279334299, ClinGen allele CA388639820.
Genomic context (GRCh38, chr13:99,985,646, plus strand): 5'-GGCGGGCGGCGGGGGCGGCGGCAGCTCTGGCGGGGGCAGCGGGACAGCCGGGGGTCACAG[C>A]GGCCTCTCCTCCAACTTCAATGAATGGTACGTGTGACGGGTCGGGGCCTCTCTCCCTCTC-3'
Protein context (NP_009060.2, residues 511-531): GGGSGTAGGH[Ser521Arg]GLSSNFNEWY